The following is an entry in ClinVar:

NM_005245.4(FAT1):c.6392C>A (p.Pro2131His)

Gene: FAT1 (FAT atypical cadherin 1; minus strand). Cytogenetic location: 4q35.2.
Variant type: single nucleotide variant.
Coding change: c.6392C>A on transcript NM_005245.4 (MANE Select); coding-DNA position 6392, C replaced by A.
Protein change: p.Pro2131His; replaces proline 2131 with histidine.
Molecular consequence: missense variant.
Genome position (GRCh38, 1-based): chr4:186,620,194, G>T on the plus strand (C>A on the coding strand, the complement: FAT1 is on the minus strand). VCF-style: chr4-186620194-G-T. GRCh37 (hg19) VCF-style: chr4-187541348-G-T.
Other names: short protein forms P2131H.
Identifiers: ClinVar variation 3848976 (VCV003848976.2).
Genomic context (GRCh38, chr4:186,620,194, plus strand): 5'-AGATATTCTTTATTTAAGGTGTCAAGCTCAAATTGCTTTTTCAGTGAAATTTCACCCAAG[G>T]GTCCAATTTGAAAGTGTTCATGATGTTCCTTGAGGTAGTAATGCACTTCCCCGTTTCTGC-3'
Protein context (NP_005236.2, residues 2121-2141): KEHHEHFQIG[Pro2131His]LGEISLKKQF

ClinVar aggregate classification (germline): Uncertain significance. Review status: criteria provided, multiple submitters, no conflicts (2 of 4 stars). 2 submissions from 2 submitters: Uncertain significance (2). Last evaluated 2025-03-01.

Conditions:
FAT1-related disorder. Also called: FAT1-related condition.
Inborn genetic diseases. Identifiers: MedGen C0950123, MeSH D030342.

gnomAD v4.1: 1 of 1,613,884 alleles (0.000062%); highest among the groups gnomAD compares: Admixed American, 0.0017%; no homozygotes.

Submissions (2):

Ambry Genetics
Classification: Uncertain significance for Inborn genetic diseases. Last evaluated: 2025-03-01. Review status: criteria provided, single submitter. Criteria: Ambry Variant Classification Scheme 2023. Collection method: clinical testing. Allele origin: germline.

PreventionGenetics, part of Exact Sciences
Classification: Uncertain significance for FAT1-related condition. Last evaluated: 2024-10-16. Review status: criteria provided, single submitter. Criteria: ACMG Guidelines, 2015. Collection method: clinical testing. Allele origin: germline.
Comment: The FAT1 c.6392C>A variant is predicted to result in the amino acid substitution p.Pro2131His. To our knowledge, this variant has not been reported in the literature. This variant is reported in 0.0029% of alleles in individuals of Latino descent in gnomAD. At this time, the clinical significance of this variant is uncertain due to the absence of conclusive functional and genetic evidence.